The following is an entry in ClinVar:

ClinVar aggregate classification (germline): Likely benign (1 of 4 stars; one submission).

Conditions:
PLXNA1-related disorder. Also called: PLXNA1-related condition.

gnomAD v4.1: 1 of 1,613,928 alleles (0.000062%); highest among the groups gnomAD compares: African/African-American, 0.0013%; no homozygotes.

Submission:

PreventionGenetics, part of Exact Sciences
Classification: Likely benign for PLXNA1-related condition. Last evaluated: 2025-01-08. Review status: criteria provided, single submitter. Criteria: ACMG Guidelines, 2015. Collection method: clinical testing. Allele origin: germline.
Comment: This variant is classified as likely benign based on ACMG/AMP sequence variant interpretation guidelines (Richards et al. 2015 PMID: 25741868, with internal and published modifications).

NM_032242.4(PLXNA1):c.4815G>T (p.Thr1605=)

Gene: PLXNA1 (plexin A1; plus strand). Cytogenetic location: 3q21.3.
Variant type: single nucleotide variant.
Coding change: c.4815G>T on transcript NM_032242.4 (MANE Select); coding-DNA position 4815, G replaced by T.
Protein change: p.Thr1605=; no amino-acid change (threonine 1605 retained).
Molecular consequence: synonymous variant.
Genome position (GRCh38, 1-based): chr3:127,029,481, G>T. VCF-style: chr3-127029481-G-T. GRCh37 (hg19) VCF-style: chr3-126748324-G-T.
Identifiers: ClinVar variation 4997805 (VCV004997805.1).